The following is an entry in ClinVar:

ClinVar aggregate classification (germline): Conflicting classifications of pathogenicity. Review status: criteria provided, conflicting classifications (1 of 4 stars). 2 submissions from 2 submitters: Uncertain significance (1); Likely benign (1). Last evaluated 2023-03-23.

Conditions:
Hereditary cancer-predisposing syndrome. Also called: Hereditary Cancer Syndrome; Hereditary neoplastic syndrome; Neoplastic Syndromes, Hereditary; Tumor predisposition. Identifiers: Orphanet 140162, MedGen C0027672, MeSH D009386, MONDO:0015356.

Submissions (2):

University of Washington Department of Laboratory Medicine, University of Washington
Classification: Likely benign for Hereditary cancer-predisposing syndrome. Last evaluated: 2023-03-23. Review status: criteria provided, single submitter. Criteria: Dines et al. (Genet Med. 2020). Collection method: curation. Allele origin: germline.
Comment: Missense variant in a coldspot region where missense variants are very unlikely to be pathogenic (PMID:31911673).

BRCA2 exon 11 coldspot. Reclassification based on statistical prior probability.

GeneDx
Classification: Uncertain significance. Last evaluated: 2022-07-26. Review status: criteria provided, single submitter. Criteria: GeneDx Variant Classification Process June 2021. Collection method: clinical testing. Allele origin: germline. Affected: yes.
Comment: Not observed at significant frequency in large population cohorts (gnomAD); In silico analysis supports that this missense variant has a deleterious effect on protein structure/function; Has not been previously published as pathogenic or benign to our knowledge; Also known as 6421C>A; This variant is associated with the following publications: (PMID: 22193408, 9002670)

NM_000059.4(BRCA2):c.6193C>A (p.Gln2065Lys)

Gene: BRCA2 (BRCA2 DNA repair associated; plus strand). Cytogenetic location: 13q13.1.
Variant type: single nucleotide variant.
Coding change: c.6193C>A on transcript NM_000059.4 (MANE Select); coding-DNA position 6193, C replaced by A.
Protein change: p.Gln2065Lys; replaces glutamine 2065 with lysine.
Molecular consequence: missense variant.
Genome position (GRCh38, 1-based): chr13:32,340,548, C>A. VCF-style: chr13-32340548-C-A. GRCh37 (hg19) VCF-style: chr13-32914685-C-A.
Other names: c.6193C>A, p.Gln2065Lys (NM_001406719.1, NM_001406720.1); short protein forms Q2065K.
Identifiers: ClinVar variation 2413016 (VCV002413016.5), dbSNP rs2137525105, ClinGen allele CA387788819.